The following is an entry in ClinVar:

NM_003000.3(SDHB):c.511C>G (p.Leu171Val)

Gene: SDHB (succinate dehydrogenase complex iron sulfur subunit B; minus strand). Cytogenetic location: 1p36.13.
Variant type: single nucleotide variant.
Coding change: c.511C>G on transcript NM_003000.3 (MANE Select); coding-DNA position 511, C replaced by G.
Protein change: p.Leu171Val; replaces leucine 171 with valine.
Molecular consequence: missense variant.
Genome position (GRCh38, 1-based): chr1:17,027,778, G>C on the plus strand (C>G on the coding strand, the complement: SDHB is on the minus strand). VCF-style: chr1-17027778-G-C. GRCh37 (hg19) VCF-style: chr1-17354273-G-C.
Other names: c.457C>G, p.Leu153Val (NM_001407361.1); short protein forms L153V, L171V.
Identifiers: ClinVar variation 3069734 (VCV003069734.4), dbSNP rs780870337, ClinGen allele CA338272583.

ClinVar aggregate classification (germline): Uncertain significance. Review status: criteria provided, multiple submitters, no conflicts (2 of 4 stars). 4 submissions from 4 submitters: Uncertain significance (4). Last evaluated 2025-09-05.

Conditions:
Pheochromocytoma/paraganglioma syndrome 4. Also called: CAROTID BODY TUMORS AND MULTIPLE EXTRAADRENAL PHEOCHROMOCYTOMAS; PARAGANGLIOMA, FAMILIAL MALIGNANT; PARAGANGLIOMAS, HEREDITARY EXTRAADRENAL; PHEOCHROMOCYTOMA, FAMILIAL EXTRAADRENAL; Paragangliomas 4; SDHB-Related Hereditary Paraganglioma-Pheochromocytoma Syndrome (Paragangliomas 4). Identifiers: Orphanet 29072, MedGen C1861848, MONDO:0007273, OMIM 115310.
Pheochromocytoma. Also called: MAX-Related Hereditary Paraganglioma-Pheochromocytoma Syndrome. Identifiers: Orphanet 29072, MedGen C0031511, MONDO:0008233, OMIM 171300, HP:0002666.
Gastrointestinal stromal tumor. Also called: Gastrointestinal stromal tumor, somatic; Gastrointestinal stroma tumor. Identifiers: Orphanet 44890, MedGen C0238198, MeSH D046152, MONDO:0011719, OMIM 606764, HP:0100723.
Hereditary pheochromocytoma and paraganglioma. Also called: Hereditary paragangliomas and pheochromocytomas; Hereditary Paraganglioma-Pheochromocytoma Syndromes; Hereditary pheochromocytoma-paraganglioma. Identifiers: Orphanet 29072, MedGen C4274332, MONDO:0017366.

Submissions (4):

Color Diagnostics, LLC DBA Color Health
Classification: Uncertain significance for Hereditary pheochromocytoma and paraganglioma. Last evaluated: 2025-09-05. Review status: criteria provided, single submitter. Criteria: ACMG Guidelines, 2015. Collection method: clinical testing. Allele origin: germline.
Comment: This missense variant replaces leucine with valine at codon 171 of the SDHB protein. Computational prediction is inconclusive regarding the impact of this variant on protein structure and function. To our knowledge, functional studies have not been reported for this variant. This variant has not been reported in individuals affected with SDHB-related disorders in the literature. This variant has not been identified in the general population by the Genome Aggregation Database (gnomAD). The available evidence is insufficient to determine the role of this variant in disease conclusively. Therefore, this variant is classified as a Variant of Uncertain Significance.

Labcorp Genetics (formerly Invitae), Labcorp
Classification: Uncertain significance for Gastrointestinal stromal tumor; Pheochromocytoma/paraganglioma syndrome 4; Pheochromocytoma. Last evaluated: 2025-06-03. Review status: criteria provided, single submitter. Criteria: Invitae Variant Classification Sherloc (09022015). Collection method: clinical testing. Allele origin: germline.
Comment: This sequence change replaces leucine, which is neutral and non-polar, with valine, which is neutral and non-polar, at codon 171 of the SDHB protein (p.Leu171Val). This variant is not present in population databases (gnomAD no frequency). This variant has not been reported in the literature in individuals affected with SDHB-related conditions. ClinVar contains an entry for this variant (Variation ID: 3069734). Invitae Evidence Modeling of protein sequence and biophysical properties (such as structural, functional, and spatial information, amino acid conservation, physicochemical variation, residue mobility, and thermodynamic stability) indicates that this missense variant is not expected to disrupt SDHB protein function with a negative predictive value of 80%. Algorithms developed to predict the effect of sequence changes on RNA splicing suggest that this variant may create or strengthen a splice site. In summary, the available evidence is currently insufficient to determine the role of this variant in disease. Therefore, it has been classified as a Variant of Uncertain Significance.

Revvity Omics, Revvity
Classification: Uncertain significance. Last evaluated: 2024-11-21. Review status: criteria provided, single submitter. Criteria: ACMG Guidelines, 2015. Collection method: clinical testing. Allele origin: germline.

All of Us Research Program, National Institutes of Health
Classification: Uncertain significance for Hereditary pheochromocytoma and paraganglioma. Last evaluated: 2023-03-07. Review status: criteria provided, single submitter. Criteria: ACMG Guidelines, 2015. Collection method: clinical testing. Allele origin: germline. Inheritance: Autosomal dominant inheritance. Observed: 1 variant allele, 1 heterozygote.
Comment: This missense variant replaces leucine with valine at codon 171 of the SDHB protein. Computational prediction is inconclusive regarding the impact of this variant on protein structure and function (internally defined REVEL score threshold 0.5 < inconclusive < 0.7, PMID: 27666373). To our knowledge, functional studies have not been reported for this variant. This variant has not been reported in individuals affected with SDHB-related disorders in the literature. This variant has not been identified in the general population by the Genome Aggregation Database (gnomAD). The available evidence is insufficient to determine the role of this variant in disease conclusively. Therefore, this variant is classified as a Variant of Uncertain Significance.

This study involves interpretation of variants in research participants for the purpose of population health screening. Participant phenotype was not available at the time of variant classification. Additional details can be found in publication PMID: 35346344, PMCID: PMC8962531